The following is an entry in ClinVar:

ClinVar aggregate classification (germline): Uncertain significance (1 of 4 stars; one submission).

Conditions:
Hereditary cancer-predisposing syndrome. Also called: Neoplastic Syndromes, Hereditary; Tumor predisposition; Hereditary neoplastic syndrome; Hereditary Cancer Syndrome. Identifiers: Orphanet 140162, MedGen C0027672, MeSH D009386, MONDO:0015356.

Submission:

Ambry Genetics
Classification: Uncertain significance for Hereditary cancer-predisposing syndrome. Last evaluated: 2026-07-06. Review status: criteria provided, single submitter. Criteria: Ambry Variant Classification Scheme 2023. Collection method: clinical testing. Allele origin: germline.
Comment: The p.E502K variant (also known as c.1504G>A), located in coding exon 11 of the BMPR1A gene, results from a G to A substitution at nucleotide position 1504. The glutamic acid at codon 502 is replaced by lysine, an amino acid with similar properties. This amino acid position is conserved. In addition, this alteration is predicted to be deleterious by in silico analysis. Based on the available evidence, the clinical significance of this variant remains unclear.

NM_004329.3(BMPR1A):c.1504G>A (p.Glu502Lys)

Gene: BMPR1A (bone morphogenetic protein receptor type 1A; plus strand). Cytogenetic location: 10q23.2.
Variant type: single nucleotide variant.
Coding change: c.1504G>A on transcript NM_004329.3 (MANE Select); coding-DNA position 1504, G replaced by A.
Protein change: p.Glu502Lys; replaces glutamic acid 502 with lysine.
Molecular consequence: missense variant. On other transcripts: non-coding transcript variant (3).
Genome position (GRCh38, 1-based): chr10:86,923,624, G>A. VCF-style: chr10-86923624-G-A. GRCh37 (hg19) VCF-style: chr10-88683381-G-A.
Other names: c.1504G>A, p.Glu502Lys (NM_001406577.1, NM_001406578.1, NM_001406579.1 and 19 more transcripts); c.1498G>A, p.Glu500Lys (NM_001406583.1); c.1420G>A, p.Glu474Lys (NM_001406584.1, NM_001406585.1, NM_001406586.1 and 2 more transcripts); c.1162G>A, p.Glu388Lys (NM_001406589.1); c.1579G>A, p.Glu527Lys (NM_001406559.1); c.1552G>A, p.Glu518Lys (NM_001406560.1); short protein forms E388K, E527K, E474K, E518K, E500K, E502K.
Identifiers: ClinVar variation 5032973 (VCV005032973.1).